The following is an entry in ClinVar:

NM_000744.7(CHRNA4):c.135C>T (p.Phe45=)

Gene: CHRNA4 (cholinergic receptor nicotinic alpha 4 subunit; minus strand). Cytogenetic location: 20q13.33.
Variant type: single nucleotide variant.
Coding change: c.135C>T on transcript NM_000744.7 (MANE Select); coding-DNA position 135, C replaced by T.
Protein change: p.Phe45=; no amino-acid change (phenylalanine 45 retained).
Molecular consequence: synonymous variant. On other transcripts: 5 prime UTR variant (1), non-coding transcript variant (1).
Genome position (GRCh38, 1-based): chr20:63,359,641, G>A on the plus strand (C>T on the coding strand, the complement: CHRNA4 is on the minus strand). VCF-style: chr20-63359641-G-A. GRCh37 (hg19) VCF-style: chr20-61990993-G-A.
Other names: c.-412C>T (NM_001256573.2).
Identifiers: ClinVar variation 515001 (VCV000515001.1), dbSNP rs766240756, ClinGen allele CA9957966.

ClinVar aggregate classification (germline): Likely benign (1 of 4 stars; one submission).

Allele frequency attached by ClinVar (database versions not stated): gnomAD exomes below 0.00001; ExAC 0.00002.

Submission:

GeneDx
Classification: Likely benign. Last evaluated: 2018-01-23. Review status: criteria provided, single submitter. Criteria: GeneDx Variant Classification (06012015). Collection method: clinical testing. Allele origin: germline. Affected: yes.
Comment: This variant is considered likely benign or benign based on one or more of the following criteria: it is a conservative change, it occurs at a poorly conserved position in the protein, it is predicted to be benign by multiple in silico algorithms, and/or has population frequency not consistent with disease.